The following is an entry in ClinVar:

ClinVar aggregate classification (germline): Uncertain significance/Uncertain risk allele. Review status: criteria provided, multiple submitters, no conflicts (2 of 4 stars). 5 submissions from 5 submitters: Uncertain significance (4); Uncertain risk allele (1). Last evaluated 2025-06-12.

Conditions:
Inborn genetic diseases. Identifiers: MedGen C0950123, MeSH D030342.
Wolfram syndrome 1 (WFS1). Identifiers: Orphanet 3463, MedGen C4551693, MONDO:0009101, OMIM 222300.

Allele frequency attached by ClinVar (database versions not stated): gnomAD exomes below 0.00001 and 0.00002; gnomAD 0.00001 and 0.00003; TOPMed 0.00001; ExAC 0.00004; 1000 Genomes Project 0.00020; 1000 Genomes Project 30x 0.00031.
gnomAD v4.1: 6 of 1,613,248 alleles (0.00037%); highest among the groups gnomAD compares: African/African-American, 0.008%; no homozygotes.

Submissions (5):

Labcorp Genetics (formerly Invitae), Labcorp
Classification: Uncertain significance. Last evaluated: 2025-06-12. Review status: criteria provided, single submitter. Criteria: Invitae Variant Classification Sherloc (09022015). Collection method: clinical testing. Allele origin: germline.
Comment: This sequence change replaces leucine, which is neutral and non-polar, with methionine, which is neutral and non-polar, at codon 201 of the WFS1 protein (p.Leu201Met). This variant is present in population databases (rs529580583, gnomAD 0.04%). This variant has not been reported in the literature in individuals affected with WFS1-related conditions. ClinVar contains an entry for this variant (Variation ID: 618495). Invitae Evidence Modeling of protein sequence and biophysical properties (such as structural, functional, and spatial information, amino acid conservation, physicochemical variation, residue mobility, and thermodynamic stability) indicates that this missense variant is not expected to disrupt WFS1 protein function with a negative predictive value of 80%. In summary, the available evidence is currently insufficient to determine the role of this variant in disease. Therefore, it has been classified as a Variant of Uncertain Significance.

Ambry Genetics
Classification: Uncertain significance for Inborn genetic diseases. Last evaluated: 2025-02-08. Review status: criteria provided, single submitter. Criteria: Ambry Variant Classification Scheme 2023. Collection method: clinical testing. Allele origin: germline.

GeneDx
Classification: Uncertain significance. Last evaluated: 2024-04-09. Review status: criteria provided, single submitter. Criteria: GeneDx Variant Classification Process June 2021. Collection method: clinical testing. Allele origin: germline. Affected: yes.
Comment: In silico analysis indicates that this missense variant does not alter protein structure/function; Has not been previously published as pathogenic or benign to our knowledge

ARUP Laboratories, Molecular Genetics and Genomics, ARUP Laboratories
Classification: Uncertain significance. Last evaluated: 2018-05-26. Review status: criteria provided, single submitter. Criteria: ARUP Molecular Germline Variant Investigation Process. Collection method: clinical testing. Allele origin: germline.
Comment: The WFS1 c.601C>A; p.Leu201Met variant (rs529580583), to our knowledge, is not reported in the medical literature or gene specific databases. This variant is found in the African population with an overall allele frequency of 0.039% (6/15,220 alleles) in the Genome Aggregation Database. The leucine at codon 201 is highly conserved considering 12 species up to zebrafish but computational analyses (SIFT: tolerated, PolyPhen-2: probably damaging) predict conflicting effects of this variant on protein structure/function. Due to limited information, the clinical significance of the p.Leu201Met variant is uncertain at this time.

Clinical Genomics, Uppaluri K&H Personalized Medicine Clinic
Classification: Uncertain risk allele for Wolfram syndrome 1. Review status: criteria provided, single submitter. Criteria: K & H Uppaluri Personalized Medicine Clinic Variant Classification & Assertion Criteria_Updated V.1. Collection method: research. Allele origin: unknown. Inheritance: Autosomal recessive inheritance.
Comment: Potent mutations in WFS1 gene are associated with Wolfram's syndrome, an autosomal recessive condition, which cause diabetes mellitus, diabetes insipidus, deafness and optic atrophy. However no sufficient evidence is found to ascertain the role of this particular variant rs529580583 in Wolfram's syndrome yet.

Literature cited by the submitters: PubMed 20738327 (cited by Clinical Genomics, Uppaluri K&H Personalized Medicine Clinic); PubMed 33879153 (cited by Clinical Genomics, Uppaluri K&H Personalized Medicine Clinic); PubMed 12955714 (cited by Clinical Genomics, Uppaluri K&H Personalized Medicine Clinic); PubMed 18060660 (cited by Clinical Genomics, Uppaluri K&H Personalized Medicine Clinic); PubMed 20301750 (cited by Clinical Genomics, Uppaluri K&H Personalized Medicine Clinic); PubMed 17603484 (cited by Clinical Genomics, Uppaluri K&H Personalized Medicine Clinic).

NM_006005.3(WFS1):c.601C>A (p.Leu201Met)

Gene: WFS1 (wolframin ER transmembrane glycoprotein; plus strand). Cytogenetic location: 4p16.1.
Variant type: single nucleotide variant.
Coding change: c.601C>A on transcript NM_006005.3 (MANE Select); coding-DNA position 601, C replaced by A.
Protein change: p.Leu201Met; replaces leucine 201 with methionine.
Molecular consequence: missense variant.
Genome position (GRCh38, 1-based): chr4:6,291,337, C>A. VCF-style: chr4-6291337-C-A. GRCh37 (hg19) VCF-style: chr4-6293064-C-A.
Other names: c.601C>A, p.Leu201Met (NM_001145853.1); short protein forms L201M.
Identifiers: ClinVar variation 618495 (VCV000618495.19), dbSNP rs529580583, ClinGen allele CA2838947.